The following is an entry in ClinVar:

ClinVar aggregate classification (germline): Uncertain significance. Review status: criteria provided, multiple submitters, no conflicts (2 of 4 stars). 3 submissions from 3 submitters: Uncertain significance (3). Last evaluated 2025-12-09.

Conditions:
Retinitis pigmentosa 80 (RP80). Identifiers: MedGen C4540439, MONDO:0054708, OMIM 617781.
Saldino-Mainzer syndrome (SRTD9). Also called: CONORENAL SYNDROME; Renal dysplasia, retinal pigmentary dystrophy, cerebellar ataxia and skeletal dysplasia; short-rib thoracic dysplasia 9 with or without polydactyly; SHORT-RIB THORACIC DYSPLASIA 9 WITHOUT POLYDACTYLY. Identifiers: Orphanet 140969, MedGen C1849437, MONDO:0009964, OMIM 266920.

Allele frequency attached by ClinVar (database versions not stated): gnomAD exomes 0.00001 and 0.00002; ExAC 0.00002; ESP Exome Variant Server 0.00008; gnomAD 0.00009 and 0.00010; TOPMed 0.00009.
gnomAD v4.1: 24 of 1,608,166 alleles (0.0015%); highest among the groups gnomAD compares: African/African-American, 0.032%; no homozygotes.

Submissions (3):

Labcorp Genetics (formerly Invitae), Labcorp
Classification: Uncertain significance for Saldino-Mainzer syndrome. Last evaluated: 2025-12-09. Review status: criteria provided, single submitter. Criteria: Invitae Variant Classification Sherloc (09022015). Collection method: clinical testing. Allele origin: germline.
Comment: This sequence change replaces asparagine, which is neutral and polar, with serine, which is neutral and polar, at codon 996 of the IFT140 protein (p.Asn996Ser). This variant is present in population databases (rs145645423, gnomAD 0.02%). This variant has not been reported in the literature in individuals affected with IFT140-related conditions. ClinVar contains an entry for this variant (Variation ID: 1015766). Invitae Evidence Modeling of protein sequence and biophysical properties (such as structural, functional, and spatial information, amino acid conservation, physicochemical variation, residue mobility, and thermodynamic stability) indicates that this missense variant is not expected to disrupt IFT140 protein function with a negative predictive value of 80%. In summary, the available evidence is currently insufficient to determine the role of this variant in disease. Therefore, it has been classified as a Variant of Uncertain Significance.

Fulgent Genetics
Classification: Uncertain significance for Saldino-Mainzer syndrome; Retinitis pigmentosa 80. Last evaluated: 2021-10-27. Review status: criteria provided, single submitter. Criteria: ACMG Guidelines, 2015. Collection method: clinical testing. Allele origin: unknown.

GeneDx
Classification: Uncertain significance. Last evaluated: 2019-07-03. Review status: criteria provided, single submitter. Criteria: GeneDx Variant Classification Process June 2021. Collection method: clinical testing. Allele origin: germline. Affected: yes.
Comment: In silico analysis, which includes protein predictors and evolutionary conservation, supports that this variant does not alter protein structure/function; Has not been previously published as pathogenic or benign to our knowledge

NM_014714.4(IFT140):c.2987A>G (p.Asn996Ser)

Genes: IFT140 (intraflagellar transport 140; minus strand), LOC126862260 (CDK7 strongly-dependent group 2 enhancer GRCh37_chr16:1574508-1575707; plus strand). Cytogenetic location: 16p13.3.
Variant type: single nucleotide variant.
Coding change: c.2987A>G on transcript NM_014714.4 (MANE Select); coding-DNA position 2987, A replaced by G.
Protein change: p.Asn996Ser; replaces asparagine 996 with serine.
Molecular consequence: missense variant.
Genome position (GRCh38, 1-based): chr16:1,524,794, T>C on the plus strand (A>G on the coding strand, the complement: IFT140 is on the minus strand). VCF-style: chr16-1524794-T-C. GRCh37 (hg19) VCF-style: chr16-1574795-T-C.
Other names: short protein forms N996S.
Identifiers: ClinVar variation 1015766 (VCV001015766.10), dbSNP rs145645423, ClinGen allele CA7813398.